The following is an entry in ClinVar:

NM_004655.4(AXIN2):c.2021C>G (p.Pro674Arg)

Gene: AXIN2 (axin 2; minus strand). Cytogenetic location: 17q24.1.
Variant type: single nucleotide variant.
Coding change: c.2021C>G on transcript NM_004655.4 (MANE Select); coding-DNA position 2021, C replaced by G.
Protein change: p.Pro674Arg; replaces proline 674 with arginine.
Molecular consequence: missense variant.
Genome position (GRCh38, 1-based): chr17:65,536,440, G>C on the plus strand (C>G on the coding strand, the complement: AXIN2 is on the minus strand). VCF-style: chr17-65536440-G-C. GRCh37 (hg19) VCF-style: chr17-63532558-G-C.
Other names: c.1826C>G, p.Pro609Arg (NM_001363813.1); short protein forms P609R, P674R.
Identifiers: ClinVar variation 1784566 (VCV001784566.2), dbSNP rs1341498392, ClinGen allele CA400676143.
Genomic context (GRCh38, chr17:65,536,440, plus strand): 5'-AGCGTGTTGGGTGGGGTCAGGGGAGGCATCGCAGGGTCCTGGGTGAACAGGTGGGCACGG[G>C]GGGTGGTGCGGGGGTGCCCGCTGTTGCCCCCCCACAGATGGTGCCGGCTGGCTCGTTCGC-3'
Protein context (NP_004646.3, residues 664-684): GGNSGHPRTT[Pro674Arg]RAHLFTQDPA

ClinVar aggregate classification (germline): Uncertain significance (1 of 4 stars; one submission).

Conditions:
Hereditary cancer-predisposing syndrome. Also called: Neoplastic Syndromes, Hereditary; Tumor predisposition; Hereditary Cancer Syndrome; Hereditary neoplastic syndrome. Identifiers: Orphanet 140162, MedGen C0027672, MeSH D009386, MONDO:0015356.

Submission:

Ambry Genetics
Classification: Uncertain significance for Hereditary cancer-predisposing syndrome. Last evaluated: 2021-10-15. Review status: criteria provided, single submitter. Criteria: Ambry Variant Classification Scheme 2023. Collection method: clinical testing. Allele origin: germline.
Comment: The p.P674R variant (also known as c.2021C>G), located in coding exon 7 of the AXIN2 gene, results from a C to G substitution at nucleotide position 2021. The proline at codon 674 is replaced by arginine, an amino acid with dissimilar properties. This amino acid position is conserved. In addition, this alteration is predicted to be tolerated by in silico analysis. Since supporting evidence is limited at this time, the clinical significance of this alteration remains unclear.